The following is an entry in ClinVar:

NM_019888.3(MC3R):c.280G>A (p.Glu94Lys)

Gene: MC3R (melanocortin 3 receptor; plus strand). Cytogenetic location: 20q13.2.
Variant type: single nucleotide variant.
Coding change: c.280G>A on transcript NM_019888.3 (MANE Select); coding-DNA position 280, G replaced by A.
Protein change: p.Glu94Lys; replaces glutamic acid 94 with lysine.
Molecular consequence: missense variant.
Genome position (GRCh38, 1-based): chr20:56,249,123, G>A. VCF-style: chr20-56249123-G-A. GRCh37 (hg19) VCF-style: chr20-54824179-G-A.
Other names: short protein forms E94K.
Identifiers: ClinVar variation 4994074 (VCV004994074.1).
Genomic context (GRCh38, chr20:56,249,123, plus strand): 5'-TACTTCTTTCTCTGCAGCCTGGCGGTGGCCGACATGCTGGTAAGTGTGTCCAATGCCCTG[G>A]AGACCATCATGATCGCCATCGTCCACAGCGACTACCTGACCTTCGAGGACCAGTTTATCC-3'
Protein context (NP_063941.3, residues 84-104): DMLVSVSNAL[Glu94Lys]TIMIAIVHSD

ClinVar aggregate classification (germline): Uncertain significance (1 of 4 stars; one submission).

Conditions:
MC3R-related disorder. Also called: MC3R-related condition.

gnomAD v4.1: 2 of 1,614,050 alleles (0.00012%); highest among the groups gnomAD compares: African/African-American, 0.0027%; no homozygotes.

Submission:

PreventionGenetics, part of Exact Sciences
Classification: Uncertain significance for MC3R-related condition. Last evaluated: 2026-03-11. Review status: criteria provided, single submitter. Criteria: ACMG Guidelines, 2015. Collection method: clinical testing. Allele origin: germline.
Comment: The MC3R c.280G>A variant is predicted to result in the amino acid substitution p.Glu94Lys. To our knowledge, this variant has not been reported in the literature. This variant is reported in 0.011% of alleles in individuals of African descent in gnomAD. At this time, the clinical significance of this variant is uncertain due to the absence of conclusive functional and genetic evidence.